The following is an entry in ClinVar:

ClinVar aggregate classification (germline): Uncertain significance (1 of 4 stars; one submission).

Submission:

Women's Health and Genetics/Laboratory Corporation of America, LabCorp
Classification: Uncertain significance. Last evaluated: 2024-07-17. Review status: criteria provided, single submitter. Criteria: LabCorp Variant Classification Summary - May 2015. Collection method: clinical testing. Allele origin: germline.
Comment: Variant summary: ARSA c.110A>C (p.Asp37Ala) results in a non-conservative amino acid change in the encoded protein sequence. Four of four in-silico tools predict a damaging effect of the variant on protein function. The variant was absent in 165432 control chromosomes (gnomAD). The available data on variant occurrences in the general population are insufficient to allow any conclusion about variant significance. To our knowledge, no occurrence of c.110A>C in individuals affected with Metachromatic Leukodystrophy and no experimental evidence demonstrating its impact on protein function have been reported. No submitters have cited clinical-significance assessments for this variant to ClinVar. Based on the evidence outlined above, the variant was classified as uncertain significance.

NM_000487.6(ARSA):c.110A>C (p.Asp37Ala)

Gene: ARSA (arylsulfatase A; minus strand). Cytogenetic location: 22q13.33.
Variant type: single nucleotide variant.
Coding change: c.110A>C on transcript NM_000487.6 (MANE Select); coding-DNA position 110, A replaced by C.
Protein change: p.Asp37Ala; replaces aspartic acid 37 with alanine.
Molecular consequence: missense variant. On other transcripts: intron variant (2).
Genome position (GRCh38, 1-based): chr22:50,627,670, T>G on the plus strand (A>C on the coding strand, the complement: ARSA is on the minus strand). VCF-style: chr22-50627670-T-G. GRCh37 (hg19) VCF-style: chr22-51066098-T-G.
Other names: c.110A>C, p.Asp37Ala (NM_001085425.3, NM_001085426.3, NM_001085427.3); c.-34-264A>C (NM_001362782.2, NM_001085428.3); short protein forms D37A.
Identifiers: ClinVar variation 3339470 (VCV003339470.1).
Genomic context (GRCh38, chr22:50,627,670, plus strand): 5'-CCCGCCGCCAGCTGGTCCAGGTTGGGAGTGGTAGAGCTGGGGTGCCCATAGCAGCCCAGG[T>G]CCCCATAGCCGAGGTCGTCGGCAAAGATCAGCACGATGTTGGGCGGACGGGCAACGGCCA-3'
Protein context (NP_000478.3, residues 27-47): LIFADDLGYG[Asp37Ala]LGCYGHPSST